The following is an entry in ClinVar:

ClinVar aggregate classification (germline): Conflicting classifications of pathogenicity. Review status: criteria provided, conflicting classifications (1 of 4 stars). 7 submissions from 7 submitters: Uncertain significance (5); Benign (1); Likely benign (1). Last evaluated 2025-12-18.

Conditions:
Hereditary breast ovarian cancer syndrome. Also called: Hereditary breast and/or ovarian cancer syndrome; Hereditary breast and ovarian cancer; Hereditary breast and ovarian cancer syndrome; Hereditary breast and ovarian cancer syndrome (HBOC); Breast and ovarian cancer; BRCA1- and BRCA2-Associated Hereditary Breast and Ovarian Cancer. Identifiers: Orphanet 145, MedGen C0677776, MeSH D061325, MONDO:0003582. Disease mechanism: loss of function.
Hereditary cancer-predisposing syndrome. Also called: Hereditary neoplastic syndrome; Neoplastic Syndromes, Hereditary; Hereditary Cancer Syndrome; Tumor predisposition. Identifiers: Orphanet 140162, MedGen C0027672, MeSH D009386, MONDO:0015356.
Breast-ovarian cancer, familial, susceptibility to, 1 (BROVCA1). Also called: BRCA1 Hereditary Breast and Ovarian Cancer; OVARIAN CANCER, SUSCEPTIBILITY TO. Identifiers: Orphanet 145, MedGen C2676676, MONDO:0011450, OMIM 604370. Disease mechanism: loss of function.

Allele frequency attached by ClinVar (database versions not stated): gnomAD below 0.00001 and 0.00001; gnomAD exomes 0.00001; ExAC 0.00002.
gnomAD v4.1: 11 of 1,613,830 alleles (0.00068%); highest among the groups gnomAD compares: South Asian, 0.0099%; no homozygotes.

Submissions (7):

Myriad Genetics, Inc.
Classification: Benign for Breast-ovarian cancer, familial, susceptibility to, 1. Last evaluated: 2025-12-18. Review status: criteria provided, single submitter. Criteria: Myriad Autosomal Dominant, Autosomal Recessive and X-Linked Classification Criteria (2023). Collection method: clinical testing. Allele origin: unknown.
Comment: This variant is considered benign. This variant is strongly associated with less severe personal and family histories of cancer, typical for individuals without pathogenic variants in this gene [PMID: 25085752]. This variant been observed in trans with a known pathogenic variant in one or more individuals. Compound heterozygosity for pathogenic variants in this gene is generally assumed to result in embryonic lethality.

Ambry Genetics
Classification: Uncertain significance for Hereditary cancer-predisposing syndrome. Last evaluated: 2025-12-10. Review status: criteria provided, single submitter. Criteria: Ambry Variant Classification Scheme 2023. Collection method: clinical testing. Allele origin: germline.
Comment: The p.G834E variant (also known as c.2501G>A), located in coding exon 9 of the BRCA1 gene, results from a G to A substitution at nucleotide position 2501. The glycine at codon 834 is replaced by glutamic acid, an amino acid with similar properties. This amino acid position is poorly conserved in available vertebrate species. In addition, the in silico prediction for this alteration is inconclusive. Based on the available evidence, the clinical significance of this variant remains unclear.

Labcorp Genetics (formerly Invitae), Labcorp
Classification: Uncertain significance for Hereditary breast ovarian cancer syndrome. Last evaluated: 2025-11-09. Review status: criteria provided, single submitter. Criteria: Invitae Variant Classification Sherloc (09022015). Collection method: clinical testing. Allele origin: germline.
Comment: This sequence change replaces glycine, which is neutral and non-polar, with glutamic acid, which is acidic and polar, at codon 834 of the BRCA1 protein (p.Gly834Glu). This variant is present in population databases (rs757383244, gnomAD 0.006%). This missense change has been observed in individual(s) with breast cancer and/or ovarian cancer (PMID: 26306726, 29470806, 32438681). ClinVar contains an entry for this variant (Variation ID: 462587). Invitae Evidence Modeling of protein sequence and biophysical properties (such as structural, functional, and spatial information, amino acid conservation, physicochemical variation, residue mobility, and thermodynamic stability) indicates that this missense variant is not expected to disrupt BRCA1 protein function with a negative predictive value of 80%. In summary, the available evidence is currently insufficient to determine the role of this variant in disease. Therefore, it has been classified as a Variant of Uncertain Significance.

Color Diagnostics, LLC DBA Color Health
Classification: Uncertain significance for Hereditary cancer-predisposing syndrome. Last evaluated: 2024-08-07. Review status: criteria provided, single submitter. Criteria: ACMG Guidelines, 2015. Collection method: clinical testing. Allele origin: germline.
Comment: This missense variant replaces glycine with glutamic acid at codon 834 of the BRCA1 protein. Computational prediction suggests that this variant may not impact protein structure and function. To our knowledge, functional studies have not been reported for this variant. This variant has been reported in individuals affected with breast and/or ovarian cancer (PMID: 26306726, 29470806, 32438681, 33948387). This variant has been identified in 2/251028 chromosomes in the general population by the Genome Aggregation Database (gnomAD). The available evidence is insufficient to determine the role of this variant in disease conclusively. Therefore, this variant is classified as a Variant of Uncertain Significance.

University of Washington Department of Laboratory Medicine, University of Washington
Classification: Likely benign for Hereditary cancer-predisposing syndrome. Last evaluated: 2023-03-23. Review status: criteria provided, single submitter. Criteria: Dines et al. (Genet Med. 2020). Collection method: curation. Allele origin: germline.
Comment: Missense variant in a coldspot region where missense variants are very unlikely to be pathogenic (PMID:31911673).

BRCA1 coldspot (exon 11 using historical exon numbering). Reclassification based on statistical prior probability

GeneDx
Classification: Uncertain significance. Last evaluated: 2020-02-06. Review status: criteria provided, single submitter. Criteria: GeneDx Variant Classification Process June 2021. Collection method: clinical testing. Allele origin: germline. Affected: yes.
Comment: In silico analysis supports that this missense variant does not alter protein structure/function; Also known as 2620G>A; Observed in individuals with a personal history of breast or ovarian cancer in published literature (Minucci 2015, Singh 2018).; This variant is associated with the following publications: (PMID: 29470806, 26306726)

CeGaT Center for Human Genetics Tuebingen
Classification: Uncertain significance. Last evaluated: 2017-10-01. Review status: criteria provided, single submitter. Criteria: CeGaT Center For Human Genetics Tuebingen Variant Classification Criteria Version 2. Collection method: clinical testing. Allele origin: germline. Affected: yes. Observed: 1 variant allele.

Literature cited by the submitters: PubMed 25085752 (cited by Myriad Genetics, Inc.); PubMed 26306726 (cited by 3 submitters); PubMed 29470806 (cited by 3 submitters); PubMed 32438681 (cited by 3 submitters); PubMed 33948387 (cited by Color Diagnostics, LLC DBA Color Health).

NM_007294.4(BRCA1):c.2501G>A (p.Gly834Glu)

Gene: BRCA1 (BRCA1 DNA repair associated; minus strand). Cytogenetic location: 17q21.31.
Variant type: single nucleotide variant.
Coding change: c.2501G>A on transcript NM_007294.4 (MANE Select); coding-DNA position 2501, G replaced by A.
Protein change: p.Gly834Glu; replaces glycine 834 with glutamic acid.
Molecular consequence: missense variant. On other transcripts: intron variant (137).
Genome position (GRCh38, 1-based): chr17:43,093,030, C>T on the plus strand (G>A on the coding strand, the complement: BRCA1 is on the minus strand). VCF-style: chr17-43093030-C-T. GRCh37 (hg19) VCF-style: chr17-41245047-C-T.
Other names: c.2498G>A, p.Gly833Glu (NM_001407590.1, NM_001407591.1, NM_001407627.1 and 22 more transcripts); c.2501G>A, p.Gly834Glu (NM_001407593.1, NM_001407594.1, NM_001407596.1 and 30 more transcripts); c.2492G>A, p.Gly831Glu (NM_001407646.1, NM_001407647.1); c.2378G>A, p.Gly793Glu (NM_001407648.1, NM_001407664.1, NM_001407665.1 and 19 more transcripts); c.2420G>A, p.Gly807Glu (NM_001407660.1, NM_001407661.1, NM_001407662.1 and 1 more transcripts); c.2423G>A, p.Gly808Glu (NM_001407663.1, NM_001407653.1, NM_001407654.1 and 4 more transcripts); c.2375G>A, p.Gly792Glu (NM_001407685.1, NM_001407686.1, NM_001407687.1 and 11 more transcripts); c.2360G>A, p.Gly787Glu (NM_001407724.1, NM_001407725.1, NM_001407726.1 and 29 more transcripts); and 41 more; short protein forms G834E, G787E, G746E, G767E, G538E, G666E, G745E, G786E.
Identifiers: ClinVar variation 462587 (VCV000462587.66), dbSNP rs757383244, ClinGen allele CA058509.
Genomic context (GRCh38, chr17:43,093,030, plus strand): 5'-GCATCAAGTTCACTTTCTTCCATTTCTATGCTTGTTTCCCGACTGTGGTTAACTTCATGT[C>T]CCAATGGATACTTAAAGCCTTCTGTGTCATTTCTATTATCTTTGGAACAACCATGAATTA-3'
Protein context (NP_009225.1, residues 824-844): NDTEGFKYPL[Gly834Glu]HEVNHSRETS